The following is an entry in ClinVar:

ClinVar aggregate classification (germline): Uncertain significance (1 of 4 stars; one submission).

Conditions:
Hereditary cancer-predisposing syndrome. Also called: Neoplastic Syndromes, Hereditary; Tumor predisposition; Hereditary neoplastic syndrome; Hereditary Cancer Syndrome. Identifiers: Orphanet 140162, MedGen C0027672, MeSH D009386, MONDO:0015356.

gnomAD v4.1: 1 of 1,614,068 alleles (0.000062%); highest among the groups gnomAD compares: Non-Finnish European, 0.000085%; no homozygotes.

Submission:

Ambry Genetics
Classification: Uncertain significance for Hereditary cancer-predisposing syndrome. Last evaluated: 2026-07-20. Review status: criteria provided, single submitter. Criteria: Ambry Variant Classification Scheme 2023. Collection method: clinical testing. Allele origin: germline.
Comment: The p.L318V variant (also known as c.952T>G), located in coding exon 9 of the PRKAR1A gene, results from a T to G substitution at nucleotide position 952. The leucine at codon 318 is replaced by valine, an amino acid with highly similar properties. This amino acid position is conserved. In addition, this alteration is predicted to be deleterious by in silico analysis. Based on the available evidence, the clinical significance of this variant remains unclear.

NM_002734.5(PRKAR1A):c.952T>G (p.Leu318Val)

Gene: PRKAR1A (protein kinase cAMP-dependent type I regulatory subunit alpha; plus strand). Cytogenetic location: 17q24.2.
Variant type: single nucleotide variant.
Coding change: c.952T>G on transcript NM_002734.5 (MANE Select); coding-DNA position 952, T replaced by G.
Protein change: p.Leu318Val; replaces leucine 318 with valine.
Molecular consequence: missense variant.
Genome position (GRCh38, 1-based): chr17:68,529,980, T>G. VCF-style: chr17-68529980-T-G. GRCh37 (hg19) VCF-style: chr17-66526121-T-G.
Other names: c.952T>G, p.Leu318Val (NM_001276289.2, NM_001276290.1, NM_001278433.2 and 4 more transcripts); short protein forms L318V.
Identifiers: ClinVar variation 5027345 (VCV005027345.1).